The following is an entry in ClinVar:

NM_013432.5(TONSL):c.1033G>A (p.Asp345Asn)

Gene: TONSL (tonsoku like, DNA repair protein; minus strand). Cytogenetic location: 8q24.3.
Variant type: single nucleotide variant.
Coding change: c.1033G>A on transcript NM_013432.5 (MANE Select); coding-DNA position 1033, G replaced by A.
Protein change: p.Asp345Asn; replaces aspartic acid 345 with asparagine.
Molecular consequence: missense variant.
Genome position (GRCh38, 1-based): chr8:144,440,849, C>T on the plus strand (G>A on the coding strand, the complement: TONSL is on the minus strand). VCF-style: chr8-144440849-C-T. GRCh37 (hg19) VCF-style: chr8-145666232-C-T.
Other names: short protein forms D345N.
Identifiers: ClinVar variation 3595447 (VCV003595447.2).

ClinVar aggregate classification (germline): Uncertain significance. Review status: criteria provided, multiple submitters, no conflicts (2 of 4 stars). 2 submissions from 2 submitters: Uncertain significance (2). Last evaluated 2025-03-29.

Conditions:
Sponastrime dysplasia. Also called: SPONDYLAR AND NASAL ALTERATIONS WITH STRIATED METAPHYSES. Identifiers: Orphanet 93357, MedGen C1300260, MONDO:0010068, OMIM 271510.

Submissions (2):

Labcorp Genetics (formerly Invitae), Labcorp
Classification: Uncertain significance. Last evaluated: 2025-03-29. Review status: criteria provided, single submitter. Criteria: Invitae Variant Classification Sherloc (09022015). Collection method: clinical testing. Allele origin: germline.
Comment: This sequence change replaces aspartic acid, which is acidic and polar, with asparagine, which is neutral and polar, at codon 345 of the TONSL protein (p.Asp345Asn). This variant is not present in population databases (gnomAD no frequency). This variant has not been reported in the literature in individuals affected with TONSL-related conditions. ClinVar contains an entry for this variant (Variation ID: 3595447). Invitae Evidence Modeling of protein sequence and biophysical properties (such as structural, functional, and spatial information, amino acid conservation, physicochemical variation, residue mobility, and thermodynamic stability) indicates that this missense variant is not expected to disrupt TONSL protein function with a negative predictive value of 80%. In summary, the available evidence is currently insufficient to determine the role of this variant in disease. Therefore, it has been classified as a Variant of Uncertain Significance.

Fulgent Genetics
Classification: Uncertain significance for Sponastrime dysplasia. Last evaluated: 2023-12-29. Review status: criteria provided, single submitter. Criteria: ACMG Guidelines, 2015. Collection method: clinical testing. Allele origin: germline.